The following is an entry in ClinVar:

ClinVar aggregate classification (germline): Uncertain significance. Review status: criteria provided, multiple submitters, no conflicts (2 of 4 stars). 10 submissions from 10 submitters: Uncertain significance (10). Last evaluated 2025-08-17.

Conditions:
Classic or attenuated familial adenomatous polyposis. Identifiers: MedGen CN372698, MONDO:0021057.
Hereditary cancer-predisposing syndrome. Also called: Hereditary neoplastic syndrome; Hereditary Cancer Syndrome; Neoplastic Syndromes, Hereditary; Tumor predisposition. Identifiers: Orphanet 140162, MedGen C0027672, MeSH D009386, MONDO:0015356.
Familial adenomatous polyposis 1 (FAP1). Also called: FAMILIAL ADENOMATOUS POLYPOSIS 1, ATTENUATED; POLYPOSIS, ADENOMATOUS INTESTINAL. Identifiers: MedGen C2713442, MONDO:0021056, OMIM 175100. Disease mechanism: loss of function.

Allele frequency attached by ClinVar (database versions not stated): ExAC 0.00001; gnomAD 0.00001; gnomAD exomes 0.00001; TOPMed 0.00002; ESP Exome Variant Server 0.00008.
gnomAD v4.1: 12 of 1,613,608 alleles (0.00074%); highest among the groups gnomAD compares: Non-Finnish European, 0.00085%; no homozygotes.

Submissions (10):

Labcorp Genetics (formerly Invitae), Labcorp
Classification: Uncertain significance for Familial adenomatous polyposis 1. Last evaluated: 2025-08-17. Review status: criteria provided, single submitter. Criteria: Invitae Variant Classification Sherloc (09022015). Collection method: clinical testing. Allele origin: germline.
Comment: This sequence change replaces serine, which is neutral and polar, with leucine, which is neutral and non-polar, at codon 5 of the APC protein (p.Ser5Leu). This variant is present in population databases (rs373718658, gnomAD 0.002%). This variant has not been reported in the literature in individuals affected with APC-related conditions. ClinVar contains an entry for this variant (Variation ID: 236561). Invitae Evidence Modeling of protein sequence and biophysical properties (such as structural, functional, and spatial information, amino acid conservation, physicochemical variation, residue mobility, and thermodynamic stability) indicates that this missense variant is not expected to disrupt APC protein function with a negative predictive value of 95%. In summary, the available evidence is currently insufficient to determine the role of this variant in disease. Therefore, it has been classified as a Variant of Uncertain Significance.

Ambry Genetics
Classification: Uncertain significance for Hereditary cancer-predisposing syndrome. Last evaluated: 2025-03-05. Review status: criteria provided, single submitter. Criteria: Ambry Variant Classification Scheme 2023. Collection method: clinical testing. Allele origin: germline.
Comment: The p.S5L variant (also known as c.14C>T), located in coding exon 1 of the APC gene, results from a C to T substitution at nucleotide position 14. The serine at codon 5 is replaced by leucine, an amino acid with dissimilar properties. This amino acid position is highly conserved in available vertebrate species. In addition, in silico predictors for this gene do not accurately predict pathogenicity. Since supporting evidence is limited at this time, the clinical significance of this alteration remains unclear.

Quest Diagnostics Nichols Institute San Juan Capistrano
Classification: Uncertain significance. Last evaluated: 2024-08-07. Review status: criteria provided, single submitter. Criteria: Quest Diagnostics criteria. Collection method: clinical testing. Allele origin: unknown.
Comment: The APC c.14C>T (p.Ser5Leu) variant has not been reported in the published literature. The frequency of this variant in the general population, 0.000008 (2/251340 chromosomes (Genome Aggregation Database)), is uninformative in the assessment of its pathogenicity. Analysis of this variant using bioinformatics tools for the prediction of the effect of amino acid changes on protein structure and function yielded conflicting predictions that this variant is benign or damaging. Based on the available information, we are unable to determine the clinical significance of this variant.

All of Us Research Program, National Institutes of Health
Classification: Uncertain significance for Classic or attenuated familial adenomatous polyposis. Last evaluated: 2024-07-29. Review status: criteria provided, single submitter. Criteria: ACMG Guidelines, 2015. Collection method: clinical testing. Allele origin: germline. Inheritance: Autosomal dominant inheritance. Observed: 1 variant allele, 1 heterozygote.
Comment: This missense variant replaces serine with leucine at codon 5 of the APC protein. Computational prediction suggests that this variant may not impact protein structure and function (internally defined REVEL score threshold <= 0.5, PMID: 27666373). Splice site prediction tools suggest that this variant may not impact RNA splicing. To our knowledge, functional studies have not been performed for this variant. This variant has not been reported in individuals affected with hereditary cancer in the literature. This variant has been identified in 2/251340 chromosomes in the general population by the Genome Aggregation Database (gnomAD). The available evidence is insufficient to determine the role of this variant in disease conclusively. Therefore, this variant is classified as a Variant of Uncertain Significance.

This study involves interpretation of variants in research participants for the purpose of population health screening. Participant phenotype was not available at the time of variant classification. Additional details can be found in publication PMID: 35346344, PMCID: PMC8962531

Color Diagnostics, LLC DBA Color Health
Classification: Uncertain significance for Hereditary cancer-predisposing syndrome. Last evaluated: 2024-05-08. Review status: criteria provided, single submitter. Criteria: ACMG Guidelines, 2015. Collection method: clinical testing. Allele origin: germline.
Comment: This missense variant replaces serine with leucine at codon 5 of the APC protein. Computational prediction suggests that this variant may not impact protein structure and function (internally defined REVEL score threshold <= 0.5, PMID: 27666373). To our knowledge, functional studies have not been reported for this variant. This variant has not been reported in individuals affected with APC-related disorders in the literature. This variant has been identified in 2/251340 chromosomes in the general population by the Genome Aggregation Database (gnomAD). The available evidence is insufficient to determine the role of this variant in disease conclusively. Therefore, this variant is classified as a Variant of Uncertain Significance.

GeneDx
Classification: Uncertain significance. Last evaluated: 2024-01-31. Review status: criteria provided, single submitter. Criteria: GeneDx Variant Classification Process June 2021. Collection method: clinical testing. Allele origin: germline. Affected: yes.
Comment: Not observed at significant frequency in large population cohorts (gnomAD); In silico analysis supports that this missense variant has a deleterious effect on protein structure/function; Has not been previously published as pathogenic or benign to our knowledge

Baylor Genetics
Classification: Uncertain significance for Familial adenomatous polyposis 1. Last evaluated: 2023-10-29. Review status: criteria provided, single submitter. Criteria: ACMG Guidelines, 2015. Collection method: clinical testing. Allele origin: unknown.

Neuberg Centre For Genomic Medicine, NCGM
Classification: Uncertain significance for Familial adenomatous polyposis 1. Last evaluated: 2023-06-22. Review status: criteria provided, single submitter. Criteria: ACMG Guidelines, 2015. Collection method: clinical testing. Allele origin: germline. Inheritance: Autosomal dominant inheritance. Affected: yes.
Comment: The missense variant c.14C>T (p.Ser5Leu) in APC gene has not been reported previously as a pathogenic variant nor as a benign variant, to our knowledge. The p.Ser5Leu variant is present with allele frequency of 0.0008% in gnomAD exomes database. This variant has been submitted to the ClinVar database as Uncertain Significance. Multiple lines of computational evidence (Polyphen - probably damaging, SIFT - damaging and MutationTaster - disease causing) predict a damaging effect on protein structure and function for this variant. The reference amino acid at this position on APC gene is predicted as conserved by GERP++ and PhyloP across 100 vertebrates. The amino acid Ser at position 5 is changed to a Leu changing protein sequence and it might alter its composition and physico-chemical properties. For these reasons, this variant has been classified as Uncertain Significance (VUS).

Sema4
Classification: Uncertain significance for Hereditary cancer-predisposing syndrome. Last evaluated: 2021-09-16. Review status: criteria provided, single submitter. Criteria: Sema4 Curation Guidelines. Collection method: curation. Allele origin: germline.
Comment: The APC c.14C>T (p.S5L) variant has not been reported in the literature to our knowledge. It was observed in 2/113648 chromosomes of the Non-Finnish European subpopulation in the large and broad cohorts of the Genome Aggregation Database (PMID: 32461654). This variant has been reported in ClinVar (Variation ID 236561). Functional studies have not been performed, and in silico predictions of the variant's effect on protein function are inconclusive. The evidence is insufficient to meet ACMG/AMP criteria for classifying the variant as benign or pathogenic. Thus, the clinical significance of this variant is currently uncertain.

Women's Health and Genetics/Laboratory Corporation of America, LabCorp
Classification: Uncertain significance. Last evaluated: 2017-02-09. Review status: criteria provided, single submitter. Criteria: LabCorp Variant Classification Summary - May 2015. Collection method: clinical testing. Allele origin: germline.
Comment: Variant summary: The APC c.14C>T (p.Ser5Leu) variant involves the alteration of a conserved nucleotide. 4/4 in silico tools predict a damaging outcome for this variant (SNPs&GO not captured due to low reliability index). This variant was found in 1/121200 control chromosomes at a frequency of 0.0000083, which does not exceed the estimated maximal expected allele frequency of a pathogenic APC variant (0.0000714). The variant of interest has not, to our knowledge, been reported in affected individuals via publications; nor evaluated for functional impact by in vivo/vitro studies. One clinical diagnostic laboratory classified this variant as uncertain significance. Because of the absence of clinical information and the lack of functional studies, the variant is classified as a variant of uncertain significance (VUS) until additional information becomes available.

NM_000038.6(APC):c.14C>T (p.Ser5Leu)

Gene: APC (APC regulator of Wnt signaling pathway; plus strand). Cytogenetic location: 5q22.2.
Variant type: single nucleotide variant.
Coding change: c.14C>T on transcript NM_000038.6 (MANE Select); coding-DNA position 14, C replaced by T.
Protein change: p.Ser5Leu; replaces serine 5 with leucine.
Molecular consequence: missense variant. On other transcripts: 5 prime UTR variant (1), intron variant (8).
Genome position (GRCh38, 1-based): chr5:112,754,904, C>T. VCF-style: chr5-112754904-C-T. GRCh37 (hg19) VCF-style: chr5-112090601-C-T.
Other names: c.14C>T, p.Ser5Leu (NM_001127510.3, NM_001354895.2, NM_001354896.2 and 2 more transcripts); c.-1022C>T (NM_001354906.2); c.166-11422C>T (NM_001354897.2, NM_001354902.2, NM_001127511.3); c.61-11422C>T (NM_001354898.2, NM_001354904.2); c.-42-11422C>T (NM_001354900.2, NM_001354901.2, NM_001354905.2); short protein forms S5L.
Identifiers: ClinVar variation 236561 (VCV000236561.29), dbSNP rs373718658, ClinGen allele CA028004.